The following is an entry in ClinVar:

ClinVar aggregate classification (germline): Uncertain significance (1 of 4 stars; one submission).

Submission:

GeneDx
Classification: Uncertain significance. Last evaluated: 2024-09-30. Review status: criteria provided, single submitter. Criteria: GeneDx Variant Classification Process June 2021. Collection method: clinical testing. Allele origin: germline.
Comment: Not observed at significant frequency in large population cohorts (gnomAD); In silico analysis supports that this missense variant has a deleterious effect on protein structure/function; Has not been previously published as pathogenic or benign to our knowledge

NM_001080421.3(UNC13A):c.1811T>G (p.Leu604Arg)

Gene: UNC13A (unc-13 homolog A; minus strand). Cytogenetic location: 19p13.11.
Variant type: single nucleotide variant.
Coding change: c.1811T>G on transcript NM_001080421.3 (MANE Select); coding-DNA position 1811, T replaced by G.
Protein change: p.Leu604Arg; replaces leucine 604 with arginine.
Molecular consequence: missense variant.
Genome position (GRCh38, 1-based): chr19:17,648,436, A>C on the plus strand (T>G on the coding strand, the complement: UNC13A is on the minus strand). VCF-style: chr19-17648436-A-C. GRCh37 (hg19) VCF-style: chr19-17759245-A-C.
Other names: c.1805T>G, p.Leu602Arg (NM_001387021.1, NM_001387022.1, NM_001387023.1); short protein forms L604R, L602R.
Identifiers: ClinVar variation 1810630 (VCV001810630.2), dbSNP rs2513074867, ClinGen allele CA404726592.
Genomic context (GRCh38, chr19:17,648,436, plus strand): 5'-AGCCCCGGGGCTCCCCACGCCAACCCGTGGCCCTGCGCTCAGGCCCTGCGCTCACGCTGC[A>C]GGCAGTCGGCGTTGAGCAGGTCCTGGCACTTCTCGTGGCACTTGACACCGCACTCGGTGC-3'
Protein context (NP_001073890.2, residues 594-614): KCQDLLNADC[Leu604Arg]QRAAEKSSKH